The following is an entry in ClinVar:

NM_016507.4(CDK12):c.2235G>T (p.Lys745Asn)

Gene: CDK12 (cyclin dependent kinase 12; plus strand). Cytogenetic location: 17q12.
Variant type: single nucleotide variant.
Coding change: c.2235G>T on transcript NM_016507.4 (MANE Select); coding-DNA position 2235, G replaced by T.
Protein change: p.Lys745Asn; replaces lysine 745 with asparagine.
Molecular consequence: missense variant.
Genome position (GRCh38, 1-based): chr17:39,492,877, G>T. VCF-style: chr17-39492877-G-T. GRCh37 (hg19) VCF-style: chr17-37649130-G-T.
Other names: c.2235G>T, p.Lys745Asn (NM_015083.4); short protein forms K745N.
Identifiers: ClinVar variation 4868485 (VCV004868485.1).

ClinVar aggregate classification (germline): Uncertain significance (1 of 4 stars; one submission).

gnomAD v4.1: 1 of 1,605,332 alleles (0.000062%); highest among the groups gnomAD compares: South Asian, 0.0011%; no homozygotes.

Submission:

Ambry Genetics
Classification: Uncertain significance. Last evaluated: 2026-04-12. Review status: criteria provided, single submitter. Criteria: Ambry Variant Classification Scheme 2023. Collection method: clinical testing. Allele origin: germline.
Comment: The p.K745N variant (also known as c.2235G>T), located in coding exon 4 of the CDK12 gene, results from a G to T substitution at nucleotide position 2235. The lysine at codon 745 is replaced by asparagine, an amino acid with similar properties. This amino acid position is conserved. In addition, this alteration is predicted to be tolerated by in silico analysis. Based on the available evidence, the clinical significance of this variant remains unclear.